The following is an entry in ClinVar:

NM_001170629.2(CHD8):c.7661A>T (p.Tyr2554Phe)

Gene: CHD8 (chromodomain helicase DNA binding protein 8; minus strand). Cytogenetic location: 14q11.2.
Variant type: single nucleotide variant.
Coding change: c.7661A>T on transcript NM_001170629.2 (MANE Select); coding-DNA position 7661, A replaced by T.
Protein change: p.Tyr2554Phe; replaces tyrosine 2554 with phenylalanine.
Molecular consequence: missense variant.
Genome position (GRCh38, 1-based): chr14:21,385,698, T>A on the plus strand (A>T on the coding strand, the complement: CHD8 is on the minus strand). VCF-style: chr14-21385698-T-A. GRCh37 (hg19) VCF-style: chr14-21853857-T-A.
Other names: c.6824A>T, p.Tyr2275Phe (NM_020920.4); short protein forms Y2275F, Y2554F.
Identifiers: ClinVar variation 2635772 (VCV002635772.5), dbSNP rs762463472, ClinGen allele CA388874419.

ClinVar aggregate classification (germline): Uncertain significance. Review status: criteria provided, single submitter (1 of 4 stars). 2 submissions from 2 submitters: Uncertain significance (1). 1 of the submissions does not count toward it. Last evaluated 2024-01-01.

Conditions:
CHD8-related disorder. Also called: CHD8-related condition; CHD8-related disorders.

gnomAD v4.1: 10 of 1,551,930 alleles (0.00064%); highest among the groups gnomAD compares: East Asian, 0.024%; no homozygotes.

Submissions (2):

Labcorp Genetics (formerly Invitae), Labcorp
Classification: Uncertain significance. Last evaluated: 2024-01-01. Review status: criteria provided, single submitter. Criteria: Invitae Variant Classification Sherloc (09022015). Collection method: clinical testing. Allele origin: germline.
Comment: This sequence change replaces tyrosine, which is neutral and polar, with phenylalanine, which is neutral and non-polar, at codon 2554 of the CHD8 protein (p.Tyr2554Phe). This variant is present in population databases (no rsID available, gnomAD 0.05%). This missense change has been observed in individual(s) with autism spectrum disorder (PMID: 30564305). ClinVar contains an entry for this variant (Variation ID: 2635772). An algorithm developed to predict the effect of missense changes on protein structure and function (PolyPhen-2) suggests that this variant is likely to be tolerated. In summary, the available evidence is currently insufficient to determine the role of this variant in disease. Therefore, it has been classified as a Variant of Uncertain Significance.

PreventionGenetics, part of Exact Sciences
Classification: Uncertain significance for CHD8-related condition. Last evaluated: 2024-09-24. Review status: no assertion criteria provided. Collection method: clinical testing. Allele origin: germline. Not counted in ClinVar's aggregate classification.
Comment: The CHD8 c.7661A>T variant is predicted to result in the amino acid substitution p.Tyr2554Phe. This variant has been reported as a maternally-inherited variant in an individual with autism spectrum disorder (additional file 6, Guo et al. 2018. PubMed ID: 30564305). This variant is reported in 0.046% of alleles in individuals of East Asian descent in gnomAD. At this time, the clinical significance of this variant is uncertain due to the absence of conclusive functional and genetic evidence.

Literature cited by the submitters: PubMed 30564305 (cited by Labcorp Genetics (formerly Invitae), Labcorp).